The following is an entry in ClinVar:

NM_020247.5(COQ8A):c.957C>T (p.Asp319=)

Gene: COQ8A (coenzyme Q8A; plus strand). Cytogenetic location: 1q42.13.
Variant type: single nucleotide variant.
Coding change: c.957C>T on transcript NM_020247.5 (MANE Select); coding-DNA position 957, C replaced by T.
Protein change: p.Asp319=; no amino-acid change (aspartic acid 319 retained).
Molecular consequence: synonymous variant.
Genome position (GRCh38, 1-based): chr1:226,982,911, C>T. VCF-style: chr1-226982911-C-T. GRCh37 (hg19) VCF-style: chr1-227170612-C-T.
Identifiers: ClinVar variation 198892 (VCV000198892.9), dbSNP rs764147237, ClinGen allele CA247784.

ClinVar aggregate classification (germline): Conflicting classifications of pathogenicity. Review status: criteria provided, conflicting classifications (1 of 4 stars). 3 submissions from 3 submitters: Uncertain significance (1); Likely benign (2). Last evaluated 2024-11-04.

Allele frequency attached by ClinVar (database versions not stated): gnomAD exomes below 0.00001 and 0.00001; ExAC 0.00001; gnomAD 0.00001; TOPMed 0.00001.
gnomAD v4.1: 6 of 1,612,662 alleles (0.00037%); highest among the groups gnomAD compares: Non-Finnish European, 0.00034%; no homozygotes.

Submissions (3):

Labcorp Genetics (formerly Invitae), Labcorp
Classification: Likely benign. Last evaluated: 2024-11-04. Review status: criteria provided, single submitter. Criteria: Invitae Variant Classification Sherloc (09022015). Collection method: clinical testing. Allele origin: germline.

GeneDx
Classification: Likely benign. Last evaluated: 2018-02-05. Review status: criteria provided, single submitter. Criteria: GeneDx Variant Classification (06012015). Collection method: clinical testing. Allele origin: germline. Affected: yes.
Comment: This variant is considered likely benign or benign based on one or more of the following criteria: it is a conservative change, it occurs at a poorly conserved position in the protein, it is predicted to be benign by multiple in silico algorithms, and/or has population frequency not consistent with disease.

Eurofins Ntd Llc (ga)
Classification: Uncertain significance. Last evaluated: 2014-11-23. Review status: criteria provided, single submitter. Criteria: EGL Classification Definitions 2015. Collection method: clinical testing. Allele origin: germline. Observed: 1 variant allele, 1 heterozygote.